The following is an entry in ClinVar:

NM_001308093.3(GATA4):c.476C>G (p.Ser159Cys)

Gene: GATA4 (GATA binding protein 4). Cytogenetic location: 8p23.1.
Variant type: single nucleotide variant.
Coding change: c.476C>G on transcript NM_001308093.3 (MANE Select); coding-DNA position 476, C replaced by G.
Protein change: p.Ser159Cys; replaces serine 159 with cysteine.
Molecular consequence: missense variant. On other transcripts: intron variant (3).
Genome position (GRCh38, 1-based): chr8:11,708,788, C>G. VCF-style: chr8-11708788-C-G. GRCh37 (hg19) VCF-style: chr8-11566297-C-G.
Other names: c.476C>G, p.Ser159Cys (NM_002052.5); c.-6+8010C>G (NM_001308094.2); c.-3+774C>G (NM_001374274.1); c.-3+4484C>G (NM_001374273.1); short protein forms S159C.
Identifiers: ClinVar variation 2582078 (VCV002582078.2), dbSNP rs1247038472, ClinGen allele CA370309704.
Genomic context (GRCh38, chr8:11,708,788, plus strand): 5'-CGGGTGCGGGCCTGGCGGGCCGCGAGCAGTACGGGCGCGCCGGCTTCGCGGGCTCCTACT[C>G]CAGCCCCTACCCGGCTTACATGGCCGACGTGGGCGCGTCCTGGGCCGCAGCCGCCGCCGC-3'
Protein context (NP_001295022.1, residues 149-169): YGRAGFAGSY[Ser159Cys]SPYPAYMADV

ClinVar aggregate classification (germline): Uncertain significance. Review status: criteria provided, multiple submitters, no conflicts (2 of 4 stars). 2 submissions from 2 submitters: Uncertain significance (2). Last evaluated 2025-06-28.

Conditions:
Cardiovascular phenotype. Identifiers: MedGen CN230736.

gnomAD v4.1: 1 of 1,469,546 alleles (0.000068%); highest among the groups gnomAD compares: South Asian, 0.0013%; no homozygotes.

Submissions (2):

Ambry Genetics
Classification: Uncertain significance for Cardiovascular phenotype. Last evaluated: 2025-06-28. Review status: criteria provided, single submitter. Criteria: Ambry Variant Classification Scheme 2023. Collection method: clinical testing. Allele origin: germline.
Comment: The p.S159C variant (also known as c.476C>G), located in coding exon 1 of the GATA4 gene, results from a C to G substitution at nucleotide position 476. The serine at codon 159 is replaced by cysteine, an amino acid with dissimilar properties. This amino acid position is conserved. In addition, the in silico prediction for this alteration is inconclusive. Based on the available evidence, the clinical significance of this variant remains unclear.

GeneDx
Classification: Uncertain significance. Last evaluated: 2023-03-22. Review status: criteria provided, single submitter. Criteria: GeneDx Variant Classification Process June 2021. Collection method: clinical testing. Allele origin: germline. Affected: yes.
Comment: Not observed at significant frequency in large population cohorts (gnomAD); In silico analysis supports that this missense variant does not alter protein structure/function; Has not been previously published as pathogenic or benign to our knowledge